The following is an entry in ClinVar:

ClinVar aggregate classification (germline): Uncertain significance (1 of 4 stars; one submission).

Conditions:
Autosomal dominant epilepsy with auditory features. Identifiers: Orphanet 101046, MedGen C1838062, MONDO:0010898.

Submission:

Labcorp Genetics (formerly Invitae), Labcorp
Classification: Uncertain significance for Autosomal dominant epilepsy with auditory features. Last evaluated: 2022-05-06. Review status: criteria provided, single submitter. Criteria: Invitae Variant Classification Sherloc (09022015). Collection method: clinical testing. Allele origin: germline.
Comment: In summary, the available evidence is currently insufficient to determine the role of this variant in disease. Therefore, it has been classified as a Variant of Uncertain Significance. Algorithms developed to predict the effect of missense changes on protein structure and function (SIFT, PolyPhen-2, Align-GVGD) all suggest that this variant is likely to be tolerated. This sequence change replaces proline, which is neutral and non-polar, with arginine, which is basic and polar, at codon 15 of the LGI1 protein (p.Pro15Arg). This variant is not present in population databases (gnomAD no frequency). This variant has not been reported in the literature in individuals affected with LGI1-related conditions.

NM_005097.4(LGI1):c.44C>G (p.Pro15Arg)

Gene: LGI1 (leucine rich glioma inactivated 1; plus strand). Cytogenetic location: 10q23.33.
Variant type: single nucleotide variant.
Coding change: c.44C>G on transcript NM_005097.4 (MANE Select); coding-DNA position 44, C replaced by G.
Protein change: p.Pro15Arg; replaces proline 15 with arginine.
Molecular consequence: missense variant. On other transcripts: non-coding transcript variant (1).
Genome position (GRCh38, 1-based): chr10:93,758,188, C>G. VCF-style: chr10-93758188-C-G. GRCh37 (hg19) VCF-style: chr10-95517945-C-G.
Other names: c.44C>G, p.Pro15Arg (NM_001308275.2, NM_001308276.2); short protein forms P15R.
Identifiers: ClinVar variation 2134620 (VCV002134620.4), dbSNP rs1554901888, ClinGen allele CA377631134.
Genomic context (GRCh38, chr10:93,758,188, plus strand): 5'-GATATTTTCTCGACTGCATGGAATCAGAAAGAAGCAAAAGGATGGGAAATGCCTGCATTC[C>G]CCTGAAAAGAATTGCTTATTTCCTATGTCTCTTATCTGCGCTTTTGCTGACTGAGGGGAA-3'
Protein context (NP_005088.1, residues 5-25): RSKRMGNACI[Pro15Arg]LKRIAYFLCL